The following is an entry in ClinVar:

ClinVar aggregate classification (germline): Uncertain significance (1 of 4 stars; one submission).

Conditions:
CEP290-related disorder. Also called: CEP290-related condition; CEP290-related disorders. Identifiers: MedGen CN239314.

gnomAD v4.1: 1 of 1,537,010 alleles (0.000065%); highest among the groups gnomAD compares: Non-Finnish European, 0.000087%; no homozygotes.

Submission:

PreventionGenetics, part of Exact Sciences
Classification: Uncertain significance for CEP290-related condition. Last evaluated: 2026-04-05. Review status: criteria provided, single submitter. Criteria: ACMG Guidelines, 2015. Collection method: clinical testing. Allele origin: germline.
Comment: The CEP290 c.3983T>C variant is predicted to result in the amino acid substitution p.Leu1328Pro. To our knowledge, this variant has not been reported in the literature. This variant is reported in 0.0011% of alleles in individuals of European (Non-Finnish) descent in gnomAD. At this time, the clinical significance of this variant is uncertain due to the absence of conclusive functional and genetic evidence.

NM_025114.4(CEP290):c.3983T>C (p.Leu1328Pro)

Gene: CEP290 (centrosomal protein 290; minus strand). Cytogenetic location: 12q21.32.
Variant type: single nucleotide variant.
Coding change: c.3983T>C on transcript NM_025114.4 (MANE Select); coding-DNA position 3983, T replaced by C.
Protein change: p.Leu1328Pro; replaces leucine 1328 with proline.
Molecular consequence: missense variant.
Genome position (GRCh38, 1-based): chr12:88,089,078, A>G on the plus strand (T>C on the coding strand, the complement: CEP290 is on the minus strand). VCF-style: chr12-88089078-A-G. GRCh37 (hg19) VCF-style: chr12-88482855-A-G.
Other names: short protein forms L1328P.
Identifiers: ClinVar variation 4995539 (VCV004995539.1).